The following is an entry in ClinVar:

ClinVar aggregate classification (germline): Uncertain significance (1 of 4 stars; one submission).

gnomAD v4.1: 1 of 1,613,688 alleles (0.000062%); highest among the groups gnomAD compares: Non-Finnish European, 0.000085%; no homozygotes.

Submission:

Dasa
Classification: Uncertain significance. Last evaluated: 2025-10-25. Review status: criteria provided, single submitter. Criteria: DASA Assertion Criteria. Collection method: clinical testing. Allele origin: germline.
Comment: NM_014014.5(SNRNP200):c.1367G>A (p.Gly456Asp) is a missense variant that results in the substitution of glycine with aspartic acid. This variant is rare in population databases. Computational prediction algorithms are consistent with a benign effect. The currently available literature and clinical evidence are not sufficient to establish a definitive association between this variant and the reported condition. Therefore, this variant is classified as a variant of uncertain significance.

NM_014014.5(SNRNP200):c.1367G>A (p.Gly456Asp)

Gene: SNRNP200 (small nuclear ribonucleoprotein U5 subunit 200; minus strand). Cytogenetic location: 2q11.2.
Variant type: single nucleotide variant.
Coding change: c.1367G>A on transcript NM_014014.5 (MANE Select); coding-DNA position 1367, G replaced by A.
Protein change: p.Gly456Asp; replaces glycine 456 with aspartic acid.
Molecular consequence: missense variant.
Genome position (GRCh38, 1-based): chr2:96,297,373, C>T on the plus strand (G>A on the coding strand, the complement: SNRNP200 is on the minus strand). VCF-style: chr2-96297373-C-T. GRCh37 (hg19) VCF-style: chr2-96963111-C-T.
Other names: short protein forms G456D.
Identifiers: ClinVar variation 4881891 (VCV004881891.2).